The following is an entry in ClinVar:

ClinVar aggregate classification (germline): Uncertain significance (1 of 4 stars; one submission).

Submission:

CeGaT Center for Human Genetics Tuebingen
Classification: Uncertain significance. Last evaluated: 2026-08-01. Review status: criteria provided, single submitter. Criteria: CeGaT Center For Human Genetics Tuebingen Variant Classification Criteria Version 2. Collection method: clinical testing. Allele origin: germline. Affected: yes. Observed: 1 variant allele.
Comment: SLC9A7: PM2

NM_001257291.2(SLC9A7):c.89G>C (p.Gly30Ala)

Genes: SLC9A7 (solute carrier family 9 member A7; minus strand), LOC130068197 (ATAC-STARR-seq lymphoblastoid silent region 20793; plus strand). Cytogenetic location: Xp11.3.
Variant type: single nucleotide variant.
Coding change: c.89G>C on transcript NM_001257291.2 (MANE Select); coding-DNA position 89, G replaced by C.
Protein change: p.Gly30Ala; replaces glycine 30 with alanine.
Molecular consequence: missense variant.
Genome position (GRCh38, 1-based): chrX:46,758,941, C>G on the plus strand (G>C on the coding strand, the complement: SLC9A7 is on the minus strand). VCF-style: chrX-46758941-C-G. GRCh37 (hg19) VCF-style: chrX-46618376-C-G.
Other names: c.89G>C, p.Gly30Ala (NM_032591.3); short protein forms G30A.
Identifiers: ClinVar variation 5040490 (VCV005040490.1).